The following is an entry in ClinVar:

NM_004260.4(RECQL4):c.3451C>T (p.Pro1151Ser)

Gene: RECQL4 (RecQ like helicase 4; minus strand). Cytogenetic location: 8q24.3.
Variant type: single nucleotide variant.
Coding change: c.3451C>T on transcript NM_004260.4 (MANE Select); coding-DNA position 3451, C replaced by T.
Protein change: p.Pro1151Ser; replaces proline 1151 with serine.
Molecular consequence: missense variant.
Genome position (GRCh38, 1-based): chr8:144,511,732, G>A on the plus strand (C>T on the coding strand, the complement: RECQL4 is on the minus strand). VCF-style: chr8-144511732-G-A. GRCh37 (hg19) VCF-style: chr8-145737115-G-A.
Other names: short protein forms P1151S.
Identifiers: ClinVar variation 459480 (VCV000459480.8), dbSNP rs1554895829, ClinGen allele CA372667079.
Genomic context (GRCh38, chr8:144,511,732, plus strand): 5'-AGGCCTCACCGATGCCGTGGAAGATGCGGGCCACAGCCCTGCTGGAGAACTTCTCCTCTG[G>A]CCTCAGGGACAGGAACTGGCGGATGTCGCAGCGGACCTGGTCCTCCCAATCCTGGAGCTG-3'
Protein context (NP_004251.4, residues 1141-1161): CDIRQFLSLR[Pro1151Ser]EEKFSSRAVA

ClinVar aggregate classification (germline): Uncertain significance (1 of 4 stars; one submission).

Conditions:
Baller-Gerold syndrome (BGS). Also called: CRANIOSYNOSTOSIS WITH RADIAL DEFECTS. Identifiers: Orphanet 1225, MedGen C0265308, MONDO:0009039, OMIM 218600.

Allele frequency attached by ClinVar (database versions not stated): TOPMed below 0.00001.
gnomAD v4.1: 3 of 1,612,550 alleles (0.00019%); highest among the groups gnomAD compares: Non-Finnish European, 0.00025%; no homozygotes.

Submissions (2):

Labcorp Genetics (formerly Invitae), Labcorp
Classification: Uncertain significance for Baller-Gerold syndrome. Last evaluated: 2023-04-19. Review status: criteria provided, single submitter. Criteria: Invitae Variant Classification Sherloc (09022015). Collection method: clinical testing. Allele origin: germline.
Comment: This sequence change replaces proline, which is neutral and non-polar, with serine, which is neutral and polar, at codon 1151 of the RECQL4 protein (p.Pro1151Ser). This variant is not present in population databases (gnomAD no frequency). This variant has not been reported in the literature in individuals affected with RECQL4-related conditions. ClinVar contains an entry for this variant (Variation ID: 459480). Advanced modeling of protein sequence and biophysical properties (such as structural, functional, and spatial information, amino acid conservation, physicochemical variation, residue mobility, and thermodynamic stability) performed at Invitae indicates that this missense variant is not expected to disrupt RECQL4 protein function. In summary, the available evidence is currently insufficient to determine the role of this variant in disease. Therefore, it has been classified as a Variant of Uncertain Significance.

Dr. Peter K. Rogan Lab, Western University
No classification provided (evidence only). Condition: Cervical cancer. Review status: no classification provided. Collection method: in vitro. Allele origin: not applicable. Functional consequence: retained intron. Not counted in ClinVar's aggregate classification.